The following is an entry in ClinVar:

ClinVar aggregate classification (germline): Uncertain significance (1 of 4 stars; one submission).

Conditions:
Immunodeficiency. Identifiers: MedGen C0021051, MONDO:0021094, HP:0002721.

Submission:

Labcorp Genetics (formerly Invitae), Labcorp
Classification: Uncertain significance for Immunodeficiency. Last evaluated: 2021-12-21. Review status: criteria provided, single submitter. Criteria: Invitae Variant Classification Sherloc (09022015). Collection method: clinical testing. Allele origin: germline.
Comment: In summary, the available evidence is currently insufficient to determine the role of this variant in disease. Therefore, it has been classified as a Variant of Uncertain Significance. Algorithms developed to predict the effect of missense changes on protein structure and function (SIFT, PolyPhen-2, Align-GVGD) all suggest that this variant is likely to be disruptive. This variant has not been reported in the literature in individuals affected with NFAT5-related conditions. This variant is not present in population databases (gnomAD no frequency). This sequence change replaces proline, which is neutral and non-polar, with leucine, which is neutral and non-polar, at codon 70 of the NFAT5 protein (p.Pro70Leu).

NM_138713.4(NFAT5):c.491C>T (p.Pro164Leu)

Gene: NFAT5 (nuclear factor of activated T cells 5; plus strand). Cytogenetic location: 16q22.1.
Variant type: single nucleotide variant.
Coding change: c.491C>T on transcript NM_138713.4 (MANE Select); coding-DNA position 491, C replaced by T.
Protein change: p.Pro164Leu; replaces proline 164 with leucine.
Molecular consequence: missense variant. On other transcripts: intron variant (1).
Genome position (GRCh38, 1-based): chr16:69,647,265, C>T. VCF-style: chr16-69647265-C-T. GRCh37 (hg19) VCF-style: chr16-69681168-C-T.
Other names: c.491C>T, p.Pro164Leu (NM_001113178.3); c.437C>T, p.Pro146Leu (NM_006599.4); c.209C>T, p.Pro70Leu (NM_138714.4, NM_173214.3, NM_173215.3); c.140+98C>T (NM_001367709.1); short protein forms P146L, P164L, P70L.
Identifiers: ClinVar variation 2052239 (VCV002052239.4), dbSNP rs2543922409, ClinGen allele CA396484496.
Genomic context (GRCh38, chr16:69,647,265, plus strand): 5'-GTAACACAGTTCAGCAGCATCCATCAACACCGAAGAGGCACACAGTCTTGTACATCTCAC[C>T]ACCACCTGAGGACTTGCTGGATAACAGTCGGATGTCCTGCCAGGATGAGGGGTGTGGATT-3'
Protein context (NP_619727.2, residues 154-174): PKRHTVLYIS[Pro164Leu]PPEDLLDNSR